The following is an entry in ClinVar:

NM_001042492.3(NF1):c.6839A>G (p.Lys2280Arg)

Gene: NF1 (neurofibromin 1; plus strand). Cytogenetic location: 17q11.2.
Variant type: single nucleotide variant.
Coding change: c.6839A>G on transcript NM_001042492.3 (MANE Select); coding-DNA position 6839, A replaced by G.
Protein change: p.Lys2280Arg; replaces lysine 2280 with arginine.
Molecular consequence: missense variant.
Genome position (GRCh38, 1-based): chr17:31,338,723, A>G. VCF-style: chr17-31338723-A-G. GRCh37 (hg19) VCF-style: chr17-29665741-A-G.
Other names: c.6776A>G, p.Lys2259Arg (NM_000267.4); short protein forms K2259R, K2280R.
Identifiers: ClinVar variation 457809 (VCV000457809.11), dbSNP rs773858629, ClinGen allele CA8487440.

ClinVar aggregate classification (germline): Uncertain significance. Review status: criteria provided, multiple submitters, no conflicts (2 of 4 stars). 4 submissions from 4 submitters: Uncertain significance (4). Last evaluated 2025-06-18.

Conditions:
Cardiovascular phenotype. Identifiers: MedGen CN230736.
Hereditary cancer-predisposing syndrome. Also called: Hereditary Cancer Syndrome; Hereditary neoplastic syndrome; Tumor predisposition; Neoplastic Syndromes, Hereditary. Identifiers: Orphanet 140162, MedGen C0027672, MeSH D009386, MONDO:0015356.
Neurofibromatosis, type 1 (NF1). Also called: VON RECKLINGHAUSEN DISEASE; NEUROFIBROMATOSIS, TYPE I, SOMATIC; Peripheral type neurofibromatosis; Neurofibromatosis, type I. Identifiers: Orphanet 636, MedGen C0027831, MONDO:0018975, OMIM 162200. Disease mechanism: loss of function.

Allele frequency attached by ClinVar (database versions not stated): gnomAD exomes 0.00001; ExAC 0.00002.
gnomAD v4.1: 5 of 1,613,250 alleles (0.00031%); highest among the groups gnomAD compares: Non-Finnish European, 0.00042%; no homozygotes.

Submissions (4):

Ambry Genetics
Classification: Uncertain significance for Cardiovascular phenotype; Hereditary cancer-predisposing syndrome. Last evaluated: 2025-06-18. Review status: criteria provided, single submitter. Criteria: Ambry Variant Classification Scheme 2023. Collection method: clinical testing. Allele origin: germline.
Comment: The p.K2259R variant (also known as c.6776A>G), located in coding exon 45 of the NF1 gene, results from an A to G substitution at nucleotide position 6776. The lysine at codon 2259 is replaced by arginine, an amino acid with highly similar properties. This alteration was identified in a cohort of 45 individuals diagnosed with early-onset head and neck cancer (Cury SS et al. Oral Oncol, 2021 Nov;122:105545). This amino acid position is highly conserved in available vertebrate species. In addition, this alteration is predicted to be tolerated by in silico analysis. Based on the available evidence, the clinical significance of this variant remains unclear.

Labcorp Genetics (formerly Invitae), Labcorp
Classification: Uncertain significance for Neurofibromatosis, type 1. Last evaluated: 2024-09-03. Review status: criteria provided, single submitter. Criteria: Invitae Variant Classification Sherloc (09022015). Collection method: clinical testing. Allele origin: germline.
Comment: This sequence change replaces lysine, which is basic and polar, with arginine, which is basic and polar, at codon 2259 of the NF1 protein (p.Lys2259Arg). This variant is present in population databases (rs773858629, gnomAD 0.002%). This missense change has been observed in individual(s) with NF1-related cancer (PMID: 34598035). ClinVar contains an entry for this variant (Variation ID: 457809). Invitae Evidence Modeling of protein sequence and biophysical properties (such as structural, functional, and spatial information, amino acid conservation, physicochemical variation, residue mobility, and thermodynamic stability) has been performed for this missense variant. However, the output from this modeling did not meet the statistical confidence thresholds required to predict the impact of this variant on NF1 protein function. In summary, the available evidence is currently insufficient to determine the role of this variant in disease. Therefore, it has been classified as a Variant of Uncertain Significance.

GeneDx
Classification: Uncertain significance. Last evaluated: 2024-03-15. Review status: criteria provided, single submitter. Criteria: GeneDx Variant Classification Process June 2021. Collection method: clinical testing. Allele origin: germline. Affected: yes.
Comment: Germline variant identified in a patient with oral and/or oropharynx carcinoma; however, segregation data was not provided and variants in other genes were reported (PMID: 34598035); In silico analysis supports that this missense variant does not alter protein structure/function; This variant is associated with the following publications: (PMID: 34598035)

Quest Diagnostics Nichols Institute San Juan Capistrano
Classification: Uncertain significance. Last evaluated: 2024-01-17. Review status: criteria provided, single submitter. Criteria: Quest Diagnostics criteria. Collection method: clinical testing. Allele origin: unknown.

Literature cited by the submitters: PubMed 34598035 (cited by 3 submitters).